The following is an entry in ClinVar:

NM_000059.4(BRCA2):c.9502-8_9502-3delinsAA

Gene: BRCA2 (BRCA2 DNA repair associated; plus strand). Cytogenetic location: 13q13.1.
Variant type: Indel.
Coding change: c.9502-8_9502-3delinsAA on transcript NM_000059.4 (MANE Select); 8 bases into the intron before coding-DNA position 9502 through 3 bases into the intron before coding-DNA position 9502, TTTCTT replaced by AA.
Molecular consequence: intron variant.
Genome position (GRCh38, 1-based): chr13:32,396,890-32,396,895, TTTCTT replaced by AA. VCF-style: chr13-32396890-TTTCTT-AA. GRCh37 (hg19) VCF-style: chr13-32971027-TTTCTT-AA.
Identifiers: ClinVar variation 1767195 (VCV001767195.2), dbSNP rs2548563596, ClinGen allele CA2580087402.

ClinVar aggregate classification (germline): Likely pathogenic (1 of 4 stars; one submission).

Conditions:
Hereditary cancer-predisposing syndrome. Also called: Hereditary Cancer Syndrome; Hereditary neoplastic syndrome; Neoplastic Syndromes, Hereditary; Tumor predisposition. Identifiers: Orphanet 140162, MedGen C0027672, MeSH D009386, MONDO:0015356.

Submission:

Ambry Genetics
Classification: Likely pathogenic for Hereditary cancer-predisposing syndrome. Last evaluated: 2021-09-03. Review status: criteria provided, single submitter. Criteria: Ambry Variant Classification Scheme 2023. Collection method: clinical testing. Allele origin: germline.
Comment: The c.9502-8_9502-3delTTTCTTinsAA intronic variant, located in intron 24 of the BRCA2 gene, results from an in-frame deletion of six nucleotides and the insertion of two nucleotides at positions 9502-8 to 9502-3. Using two different splice site prediction tools, this alteration is predicted by BDGP to abolish the native splice acceptor site, but is predicted to weaken (but not abolish) the efficiency of the native splice acceptor site by ESEfinder. RNA studies have demonstrated that this alteration results in abnormal splicing in the set of samples tested (Ambry internal data). This variant is considered to be rare based on population cohorts in the Genome Aggregation Database (gnomAD). Based on the majority of available evidence to date, this variant is likely to be pathogenic.